The following is an entry in ClinVar:

NM_004991.4(MECOM):c.2242C>A (p.Arg748=)

Gene: MECOM (MDS1 and EVI1 complex locus; minus strand). Cytogenetic location: 3q26.2.
Variant type: single nucleotide variant.
Coding change: c.2242C>A on transcript NM_004991.4 (MANE Select); coding-DNA position 2242, C replaced by A.
Protein change: p.Arg748=; no amino-acid change (arginine 748 retained).
Molecular consequence: synonymous variant.
Genome position (GRCh38, 1-based): chr3:169,115,630, G>T on the plus strand (C>A on the coding strand, the complement: MECOM is on the minus strand). VCF-style: chr3-169115630-G-T. GRCh37 (hg19) VCF-style: chr3-168833418-G-T.
Other names: c.1873C>A, p.Arg625= (NM_001105077.4); c.1678C>A, p.Arg560= (NM_001105078.4, NM_001164000.2, NM_001205194.2 and 4 more transcripts); c.1681C>A, p.Arg561= (NM_001163999.2, NM_001366467.2, NM_001366468.2 and 1 more transcripts); c.2242C>A, p.Arg748= (NM_001366466.2); c.1270C>A, p.Arg424= (NM_001366473.2); c.706C>A, p.Arg236= (NM_001366474.2); c.2242C>A (NM_004991.3).
Identifiers: ClinVar variation 2654268 (VCV002654268.24), dbSNP rs777818595, ClinGen allele CA2696221.
Genomic context (GRCh38, chr3:169,115,630, plus strand): 5'-TTGTGGCAGGTGTCACTGGAGGCTTGGAGGGGACTGGAGTCAAGGGCTTCTCATCCTTTC[G>T]CTTAGTGGTGAGATCAAAGGGGGACTCAGAGCTGCCCTTCTGCAGTTTCTTTACTTCACC-3'
Protein context (NP_004982.2, residues 738-758): SESPFDLTTK[Arg748=]KDEKPLTPVP

ClinVar aggregate classification (germline): Likely benign. Review status: criteria provided, multiple submitters, no conflicts (2 of 4 stars). 2 submissions from 2 submitters: Likely benign (2). Last evaluated 2025-09-28.

Conditions:
Inborn genetic diseases. Identifiers: MedGen C0950123, MeSH D030342.

Allele frequency attached by ClinVar (database versions not stated): ExAC 0.00001; gnomAD exomes 0.00001.
gnomAD v4.1: 3 of 1,614,082 alleles (0.00019%); highest among the groups gnomAD compares: East Asian, 0.0022%; no homozygotes.

Submissions (2):

Ambry Genetics
Classification: Likely benign for Inborn genetic diseases. Last evaluated: 2025-09-28. Review status: criteria provided, single submitter. Criteria: Ambry Variant Classification Scheme 2023. Collection method: clinical testing. Allele origin: germline.

CeGaT Center for Human Genetics Tuebingen
Classification: Likely benign. Last evaluated: 2023-09-01. Review status: criteria provided, single submitter. Criteria: CeGaT Center For Human Genetics Tuebingen Variant Classification Criteria Version 2. Collection method: clinical testing. Allele origin: germline. Affected: yes. Observed: 1 variant allele.
Comment: MECOM: BP4, BP7